The following is an entry in ClinVar:

ClinVar aggregate classification (germline): Uncertain significance. Review status: criteria provided, multiple submitters, no conflicts (2 of 4 stars). 2 submissions from 2 submitters: Uncertain significance (2). Last evaluated 2023-12-18.

Conditions:
Congenital adrenal hyperplasia due to cytochrome P450 oxidoreductase deficiency. Also called: DISORDERED STEROIDOGENESIS DUE TO POR DEFICIENCY. Identifiers: Orphanet 95699, MedGen C1860042, MONDO:0013310, OMIM 613571.

Allele frequency attached by ClinVar (database versions not stated): TOPMed 0.00002; gnomAD 0.00003.
gnomAD v4.1: 16 of 1,612,346 alleles (0.00099%); highest among the groups gnomAD compares: Non-Finnish European, 0.0011%; no homozygotes.

Submissions (2):

Blueprint Genetics
Classification: Uncertain significance. Last evaluated: 2023-12-18. Review status: criteria provided, single submitter. Criteria: ACMG Guidelines, 2015. Collection method: clinical testing. Allele origin: germline.

Labcorp Genetics (formerly Invitae), Labcorp
Classification: Uncertain significance for Congenital adrenal hyperplasia due to cytochrome P450 oxidoreductase deficiency. Last evaluated: 2023-08-09. Review status: criteria provided, single submitter. Criteria: Invitae Variant Classification Sherloc (09022015). Collection method: clinical testing. Allele origin: germline.
Comment: In summary, the available evidence is currently insufficient to determine the role of this variant in disease. Therefore, it has been classified as a Variant of Uncertain Significance. Advanced modeling of protein sequence and biophysical properties (such as structural, functional, and spatial information, amino acid conservation, physicochemical variation, residue mobility, and thermodynamic stability) performed at Invitae indicates that this missense variant is not expected to disrupt POR protein function. This variant has not been reported in the literature in individuals affected with POR-related conditions. This variant is present in population databases (rs782037392, gnomAD 0.003%). This sequence change replaces asparagine, which is neutral and polar, with isoleucine, which is neutral and non-polar, at codon 82 of the POR protein (p.Asn82Ile).

NM_001395413.1(POR):c.236A>T (p.Asn79Ile)

Gene: POR (cytochrome p450 oxidoreductase; plus strand). Cytogenetic location: 7q11.23.
Variant type: single nucleotide variant.
Coding change: c.236A>T on transcript NM_001395413.1 (MANE Select); coding-DNA position 236, A replaced by T.
Protein change: p.Asn79Ile; replaces asparagine 79 with isoleucine.
Molecular consequence: missense variant.
Genome position (GRCh38, 1-based): chr7:75,979,458, A>T. VCF-style: chr7-75979458-A-T. GRCh37 (hg19) VCF-style: chr7-75608776-A-T.
Other names: c.245A>T, p.Asn82Ile (NM_000941.2, NM_000941.3); c.236A>T, p.Asn79Ile (NM_001367562.3, NM_001382657.2, NM_001382658.3 and 2 more transcripts); c.290A>T, p.Asn97Ile (NM_001382655.3); short protein forms N79I, N82I, N97I.
Identifiers: ClinVar variation 2739448 (VCV002739448.3), dbSNP rs782037392, ClinGen allele CA4303555.